The following is an entry in ClinVar:

NM_199420.4(POLQ):c.3430A>G (p.Lys1144Glu)

Gene: POLQ (DNA polymerase theta; minus strand). Cytogenetic location: 3q13.33.
Variant type: single nucleotide variant.
Coding change: c.3430A>G on transcript NM_199420.4 (MANE Select); coding-DNA position 3430, A replaced by G.
Protein change: p.Lys1144Glu; replaces lysine 1144 with glutamic acid.
Molecular consequence: missense variant.
Genome position (GRCh38, 1-based): chr3:121,489,501, T>C on the plus strand (A>G on the coding strand, the complement: POLQ is on the minus strand). VCF-style: chr3-121489501-T-C. GRCh37 (hg19) VCF-style: chr3-121208348-T-C.
Other names: short protein forms K1144E.
Identifiers: ClinVar variation 3229935 (VCV003229935.1), dbSNP rs139484347, ClinGen allele CA81836333.

ClinVar aggregate classification (germline): Uncertain significance (1 of 4 stars; one submission).

Allele frequency attached by ClinVar (database versions not stated): gnomAD exomes below 0.00001; 1000 Genomes Project 30x 0.00016; 1000 Genomes Project 0.00020.
gnomAD v4.1: 1 of 1,614,112 alleles (0.000062%); highest among the groups gnomAD compares: African/African-American, 0.0013%; no homozygotes.

Submission:

Ambry Genetics
Classification: Uncertain significance. Last evaluated: 2024-01-24. Review status: criteria provided, single submitter. Criteria: Ambry Variant Classification Scheme 2023. Collection method: clinical testing. Allele origin: germline.
Comment: The p.K1144E variant (also known as c.3430A>G), located in coding exon 16 of the POLQ gene, results from an A to G substitution at nucleotide position 3430. The lysine at codon 1144 is replaced by glutamic acid, an amino acid with similar properties. This amino acid position is conserved. In addition, this alteration is predicted to be tolerated by in silico analysis. Based on the available evidence, the clinical significance of this alteration remains unclear.